The following is an entry in ClinVar:

ClinVar aggregate classification (germline): Uncertain significance. Review status: criteria provided, multiple submitters, no conflicts (2 of 4 stars). 3 submissions from 3 submitters: Uncertain significance (3). Last evaluated 2026-08-07.

Conditions:
PLXNA1-related disorder. Also called: PLXNA1-related condition.

Allele frequency attached by ClinVar (database versions not stated): gnomAD exomes 0.00002; ExAC 0.00003; gnomAD 0.00003; TOPMed 0.00006; 1000 Genomes Project 0.00020; 1000 Genomes Project 30x 0.00031.
gnomAD v4.1: 36 of 1,603,946 alleles (0.0022%); highest among the groups gnomAD compares: Admixed American, 0.012%; no homozygotes.

Submissions (3):

PreventionGenetics, part of Exact Sciences
Classification: Uncertain significance for PLXNA1-related condition. Last evaluated: 2026-08-07. Review status: criteria provided, single submitter. Criteria: ACMG Guidelines, 2015. Collection method: clinical testing. Allele origin: germline.
Comment: The PLXNA1 c.2618C>T variant is predicted to result in the amino acid substitution p.Thr873Met. To our knowledge, this variant has not been reported in the literature. This variant is reported in 0.0085% of alleles in individuals of Latino descent in gnomAD. At this time, the clinical significance of this variant is uncertain due to the absence of conclusive functional and genetic evidence.

Ambry Genetics
Classification: Uncertain significance. Last evaluated: 2025-08-30. Review status: criteria provided, single submitter. Criteria: Ambry Variant Classification Scheme 2023. Collection method: clinical testing. Allele origin: germline.

Women's Health and Genetics/Laboratory Corporation of America, LabCorp
Classification: Uncertain significance. Last evaluated: 2024-01-19. Review status: criteria provided, single submitter. Criteria: LabCorp Variant Classification Summary - May 2015. Collection method: clinical testing. Allele origin: germline.
Comment: Variant summary: PLXNA1 c.2618C>T (p.Thr873Met) results in a non-conservative amino acid change located in the IPT domain (IPR002909) of the encoded protein sequence. Three of five in-silico tools predict a benign effect of the variant on protein function. The variant allele was found at a frequency of 2.9e-05 in 240398 control chromosomes, predominantly at a frequency of 8.7e-05 within the Latino subpopulation in the gnomAD database. The available data on variant occurrences in the general population are insufficient to allow any conclusion about variant significance. To our knowledge, no occurrence of c.2618C>T in individuals affected with Dworschak-Punetha Neurodevelopmental Syndrome and no experimental evidence demonstrating its impact on protein function have been reported. No submitters have cited clinical-significance assessments for this variant to ClinVar. Based on the evidence outlined above, the variant was classified as uncertain significance.

NM_032242.4(PLXNA1):c.2618C>T (p.Thr873Met)

Gene: PLXNA1 (plexin A1; plus strand). Cytogenetic location: 3q21.3.
Variant type: single nucleotide variant.
Coding change: c.2618C>T on transcript NM_032242.4 (MANE Select); coding-DNA position 2618, C replaced by T.
Protein change: p.Thr873Met; replaces threonine 873 with methionine.
Molecular consequence: missense variant.
Genome position (GRCh38, 1-based): chr3:127,014,491, C>T. VCF-style: chr3-127014491-C-T. GRCh37 (hg19) VCF-style: chr3-126733334-C-T.
Other names: c.2618C>T (NM_032242.3); short protein forms T873M.
Identifiers: ClinVar variation 3064008 (VCV003064008.3), dbSNP rs549841697, ClinGen allele CA2593707.